The following is an entry in ClinVar:

ClinVar aggregate classification (germline): Pathogenic (1 of 4 stars; one submission).

Conditions:
Danon disease. Also called: ANTOPOL DISEASE; PSEUDOGLYCOGENOSIS II; GSD IIb; LYSOSOMAL GLYCOGEN STORAGE DISEASE WITHOUT ACID MALTASE DEFICIENCY; Glycogen Storage Disease Type IIb. Identifiers: Orphanet 34587, MedGen C0878677, MONDO:0010281, OMIM 300257.

Submission:

Labcorp Genetics (formerly Invitae), Labcorp
Classification: Pathogenic for Danon disease. Last evaluated: 2025-07-27. Review status: criteria provided, single submitter. Criteria: Invitae Variant Classification Sherloc (09022015). Collection method: clinical testing. Allele origin: germline.
Comment: This sequence change creates a premature translational stop signal (p.Thr181Serfs*5) in the LAMP2 gene. It is expected to result in an absent or disrupted protein product. Loss-of-function variants in LAMP2 are known to be pathogenic (PMID: 21415759). This variant is not present in population databases (gnomAD no frequency). This variant has not been reported in the literature in individuals affected with LAMP2-related conditions. For these reasons, this variant has been classified as Pathogenic.

Literature cited by the submitters: PubMed 21415759.

NM_002294.3(LAMP2):c.542_543del (p.Thr181fs)

Gene: LAMP2 (lysosome associated membrane protein 2; minus strand). Cytogenetic location: Xq24.
Variant type: Microsatellite.
Coding change: c.542_543del on transcript NM_002294.3 (MANE Select); coding-DNA positions 542 to 543, 2 bases deleted (CA; older notation c.542_543delCA).
Protein change: p.Thr181fs; shifts the reading frame from threonine 181.
Molecular consequence: frameshift variant.
Genome position (GRCh38, 1-based): chrX:120,448,983-120,448,984, TG deleted on the plus strand (CA on the coding strand, the reverse complement: LAMP2 is on the minus strand); deleting any 2 consecutive bases within chrX:120,448,983-120,448,986 gives the same sequence; the c. name uses the placement nearest the transcript's 3' end. VCF-style (leftmost placement, unchanged base first): chrX-120448982-CTG-C. GRCh37 (hg19) VCF-style: chrX-119582837-CTG-C.
Other names: c.542_543del, p.Thr181fs (NM_001122606.1, NM_013995.2); short protein forms T181fs.
Identifiers: ClinVar variation 4724039 (VCV004724039.1).
Genomic context (GRCh38, chrX:120,448,982, plus strand): 5'-TCTACTCTTAAATTAGGATCCAAGTAGAGAAATATATACTTTACTCACCATTTGTGCTCA[CTG>C]TGCCATTTTGGACAAAAGCTTGTACAAGAACATCCCAGTAGTGTTGGACAACATCATTCT-3'